The following is an entry in ClinVar:

NM_178452.6(DNAAF1):c.626C>G (p.Thr209Ser)

Gene: DNAAF1 (dynein axonemal assembly factor 1; plus strand). Cytogenetic location: 16q24.1.
Variant type: single nucleotide variant.
Coding change: c.626C>G on transcript NM_178452.6 (MANE Select); coding-DNA position 626, C replaced by G.
Protein change: p.Thr209Ser; replaces threonine 209 with serine.
Molecular consequence: missense variant.
Genome position (GRCh38, 1-based): chr16:84,155,634, C>G. VCF-style: chr16-84155634-C-G. GRCh37 (hg19) VCF-style: chr16-84189239-C-G.
Other names: short protein forms T209S.
Identifiers: ClinVar variation 1752536 (VCV001752536.2), dbSNP rs758172044, ClinGen allele CA8202552.

ClinVar aggregate classification (germline): Uncertain significance (1 of 4 stars; one submission).

Conditions:
Primary ciliary dyskinesia. Also called: Ciliary dyskinesia. Identifiers: Orphanet 244, MedGen C0008780, MONDO:0016575, HP:0012265.

Allele frequency attached by ClinVar (database versions not stated): TOPMed below 0.00001; ExAC 0.00001; gnomAD 0.00002.
gnomAD v4.1: 7 of 1,614,054 alleles (0.00043%); highest among the groups gnomAD compares: Non-Finnish European, 0.00059%; no homozygotes.

Submission:

Ambry Genetics
Classification: Uncertain significance for Primary ciliary dyskinesia. Last evaluated: 2021-12-24. Review status: criteria provided, single submitter. Criteria: Ambry Variant Classification Scheme 2023. Collection method: clinical testing. Allele origin: germline.
Comment: The p.T209S variant (also known as c.626C>G), located in coding exon 5 of the DNAAF1 gene, results from a C to G substitution at nucleotide position 626. The threonine at codon 209 is replaced by serine, an amino acid with similar properties. This amino acid position is conserved. In addition, this alteration is predicted to be tolerated by in silico analysis. Since supporting evidence is limited at this time, the clinical significance of this alteration remains unclear.